The following is an entry in ClinVar:

NM_032551.5(KISS1R):c.238T>C (p.Tyr80His)

Genes: KISS1R (KISS1 receptor; plus strand), LOC130062853 (ATAC-STARR-seq lymphoblastoid silent region 9630; plus strand). Cytogenetic location: 19p13.3.
Variant type: single nucleotide variant.
Coding change: c.238T>C on transcript NM_032551.5 (MANE Select); coding-DNA position 238, T replaced by C.
Protein change: p.Tyr80His; replaces tyrosine 80 with histidine.
Molecular consequence: missense variant.
Genome position (GRCh38, 1-based): chr19:917,740, T>C. VCF-style: chr19-917740-T-C. GRCh37 (hg19) VCF-style: chr19-917740-T-C.
Other names: c.238T>C (NM_032551.4); short protein forms Y80H.
Identifiers: ClinVar variation 1495248 (VCV001495248.8), dbSNP rs1047587176, ClinGen allele CA303953810.

ClinVar aggregate classification (germline): Uncertain significance. Review status: criteria provided, multiple submitters, no conflicts (2 of 4 stars). 2 submissions from 2 submitters: Uncertain significance (2). Last evaluated 2022-06-30.

Conditions:
Inborn genetic diseases. Identifiers: MedGen C0950123, MeSH D030342.

Allele frequency attached by ClinVar (database versions not stated): gnomAD exomes 0.00001; gnomAD 0.00002; TOPMed 0.00002.
gnomAD v4.1: 10 of 1,604,188 alleles (0.00062%); highest among the groups gnomAD compares: African/African-American, 0.0013%; no homozygotes.

Submissions (2):

Ambry Genetics
Classification: Uncertain significance for Inborn genetic diseases. Last evaluated: 2022-06-30. Review status: criteria provided, single submitter. Criteria: Ambry Variant Classification Scheme 2023. Collection method: clinical testing. Allele origin: germline.

Labcorp Genetics (formerly Invitae), Labcorp
Classification: Uncertain significance. Last evaluated: 2021-06-20. Review status: criteria provided, single submitter. Criteria: Invitae Variant Classification Sherloc (09022015). Collection method: clinical testing. Allele origin: germline.
Comment: This sequence change replaces tyrosine with histidine at codon 80 of the KISS1R protein (p.Tyr80His). The tyrosine residue is highly conserved and there is a moderate physicochemical difference between tyrosine and histidine. In summary, the available evidence is currently insufficient to determine the role of this variant in disease. Therefore, it has been classified as a Variant of Uncertain Significance. Algorithms developed to predict the effect of missense changes on protein structure and function are either unavailable or do not agree on the potential impact of this missense change (SIFT: "Deleterious"; PolyPhen-2: "Probably Damaging"; Align-GVGD: "Class C0"). This variant has not been reported in the literature in individuals with KISS1R-related conditions. This variant is not present in population databases (ExAC no frequency).